The following is an entry in ClinVar:

ClinVar aggregate classification (germline): Uncertain significance (1 of 4 stars; one submission).

Conditions:
Hereditary cancer-predisposing syndrome. Also called: Neoplastic Syndromes, Hereditary; Tumor predisposition; Hereditary Cancer Syndrome; Hereditary neoplastic syndrome. Identifiers: Orphanet 140162, MedGen C0027672, MeSH D009386, MONDO:0015356.

Submission:

Ambry Genetics
Classification: Uncertain significance for Hereditary cancer-predisposing syndrome. Last evaluated: 2024-07-07. Review status: criteria provided, single submitter. Criteria: Ambry Variant Classification Scheme 2023. Collection method: clinical testing. Allele origin: germline.
Comment: The p.S395Y variant (also known as c.1184C>A), located in coding exon 4 of the PALB2 gene, results from a C to A substitution at nucleotide position 1184. The serine at codon 395 is replaced by tyrosine, an amino acid with dissimilar properties. This amino acid position is conserved. In addition, the in silico prediction for this alteration is inconclusive. Based on the available evidence, the clinical significance of this variant remains unclear.

NM_024675.4(PALB2):c.1184C>A (p.Ser395Tyr)

Gene: PALB2 (partner and localizer of BRCA2; minus strand). Cytogenetic location: 16p12.2.
Variant type: single nucleotide variant.
Coding change: c.1184C>A on transcript NM_024675.4 (MANE Select); coding-DNA position 1184, C replaced by A.
Protein change: p.Ser395Tyr; replaces serine 395 with tyrosine.
Molecular consequence: missense variant. On other transcripts: intron variant (3).
Genome position (GRCh38, 1-based): chr16:23,635,362, G>T on the plus strand (C>A on the coding strand, the complement: PALB2 is on the minus strand). VCF-style: chr16-23635362-G-T. GRCh37 (hg19) VCF-style: chr16-23646683-G-T.
Other names: c.1124C>A, p.Ser375Tyr (NM_001407296.1); c.1184C>A, p.Ser395Tyr (NM_001407297.1, NM_001407298.1, NM_001407299.1 and 3 more transcripts); c.299C>A, p.Ser100Tyr (NM_001407304.1, NM_001407305.1, NM_001407306.1 and 5 more transcripts); c.48+5748C>A (NM_001407314.1); c.-104-4893C>A (NM_001407313.1, NM_001407312.1); short protein forms S100Y, S375Y, S395Y.
Identifiers: ClinVar variation 3413421 (VCV003413421.1).
Genomic context (GRCh38, chr16:23,635,362, plus strand): 5'-CTTCGTGTTGTTCTAACATAATATTCTGCAGGAAACAGAAGGCCTTCAGGCACTGTGCAA[G>T]AATGTTTTTCTGCAGAAAGAGGAGAGGTTGCTTCCAGGCTAAGACTCTTAGGTTGACTTA-3'
Protein context (NP_078951.2, residues 385-405): ATSPLSAEKH[Ser395Tyr]CTVPEGLLFP